The following is an entry in ClinVar:

ClinVar aggregate classification (germline): Uncertain significance (1 of 4 stars; one submission).

gnomAD v4.1: 2 of 1,614,090 alleles (0.00012%); highest among the groups gnomAD compares: Admixed American, 0.0017%; no homozygotes.

Submission:

Labcorp Genetics (formerly Invitae), Labcorp
Classification: Uncertain significance. Last evaluated: 2024-02-24. Review status: criteria provided, single submitter. Criteria: Invitae Variant Classification Sherloc (09022015). Collection method: clinical testing. Allele origin: germline.
Comment: This sequence change replaces tyrosine, which is neutral and polar, with phenylalanine, which is neutral and non-polar, at codon 84 of the UQCRB protein (p.Tyr84Phe). This variant is not present in population databases (gnomAD no frequency). This variant has not been reported in the literature in individuals affected with UQCRB-related conditions. ClinVar contains an entry for this variant (Variation ID: 2037929). An algorithm developed to predict the effect of missense changes on protein structure and function (PolyPhen-2) suggests that this variant is likely to be tolerated. In summary, the available evidence is currently insufficient to determine the role of this variant in disease. Therefore, it has been classified as a Variant of Uncertain Significance.

NM_006294.5(UQCRB):c.251A>T (p.Tyr84Phe)

Gene: UQCRB (ubiquinol-cytochrome c reductase binding protein; minus strand). Cytogenetic location: 8q22.1.
Variant type: single nucleotide variant.
Coding change: c.251A>T on transcript NM_006294.5 (MANE Select); coding-DNA position 251, A replaced by T.
Protein change: p.Tyr84Phe; replaces tyrosine 84 with phenylalanine.
Molecular consequence: missense variant. On other transcripts: non-coding transcript variant (1).
Genome position (GRCh38, 1-based): chr8:96,231,781, T>A on the plus strand (A>T on the coding strand, the complement: UQCRB is on the minus strand). VCF-style: chr8-96231781-T-A. GRCh37 (hg19) VCF-style: chr8-97244009-T-A.
Other names: c.155A>T, p.Tyr52Phe (NM_001199975.3); c.251A>T, p.Tyr84Phe (NM_001254752.2); short protein forms Y84F, Y52F.
Identifiers: ClinVar variation 2037929 (VCV002037929.4), dbSNP rs1156555658, ClinGen allele CA371755848.